The following is an entry in ClinVar:

NM_001204.7(BMPR2):c.2206G>C (p.Asp736His)

Gene: BMPR2 (bone morphogenetic protein receptor type 2; plus strand). Cytogenetic location: 2q33.2.
Variant type: single nucleotide variant.
Coding change: c.2206G>C on transcript NM_001204.7 (MANE Select); coding-DNA position 2206, G replaced by C.
Protein change: p.Asp736His; replaces aspartic acid 736 with histidine.
Molecular consequence: missense variant.
Genome position (GRCh38, 1-based): chr2:202,555,871, G>C. VCF-style: chr2-202555871-G-C. GRCh37 (hg19) VCF-style: chr2-203420594-G-C.
Other names: short protein forms D736H.
Identifiers: ClinVar variation 3824910 (VCV003824910.1).

ClinVar aggregate classification (germline): Uncertain significance (1 of 4 stars; one submission).

Conditions:
Inborn genetic diseases. Identifiers: MedGen C0950123, MeSH D030342.

Submission:

Ambry Genetics
Classification: Uncertain significance for Inborn genetic diseases. Last evaluated: 2025-02-15. Review status: criteria provided, single submitter. Criteria: Ambry Variant Classification Scheme 2023. Collection method: clinical testing. Allele origin: germline.
Comment: The p.D736H variant (also known as c.2206G>C), located in coding exon 12 of the BMPR2 gene, results from a G to C substitution at nucleotide position 2206. The aspartic acid at codon 736 is replaced by histidine, an amino acid with similar properties. This amino acid position is conserved. In addition, the in silico prediction for this alteration is inconclusive. Based on the available evidence, the clinical significance of this variant remains unclear.